The following is an entry in ClinVar:

ClinVar aggregate classification (germline): Uncertain significance (1 of 4 stars; one submission).

Conditions:
Joubert syndrome. Also called: CEREBELLOPARENCHYMAL DISORDER IV; JOUBERT-BOLTSHAUSER SYNDROME; Familial aplasia of the vermis. Identifiers: Orphanet 475, MedGen C5979921, MONDO:0018772.

Allele frequency attached by ClinVar (database versions not stated): gnomAD exomes below 0.00001.
gnomAD v4.1: 1 of 1,569,064 alleles (0.000064%); highest among the groups gnomAD compares: Non-Finnish European, 0.000086%; no homozygotes.

Submission:

Labcorp Genetics (formerly Invitae), Labcorp
Classification: Uncertain significance for Joubert syndrome. Last evaluated: 2022-08-19. Review status: criteria provided, single submitter. Criteria: Invitae Variant Classification Sherloc (09022015). Collection method: clinical testing. Allele origin: germline.
Comment: This variant has not been reported in the literature in individuals affected with INPP5E-related conditions. This variant is not present in population databases (gnomAD no frequency). This sequence change replaces asparagine, which is neutral and polar, with lysine, which is basic and polar, at codon 159 of the INPP5E protein (p.Asn159Lys). Advanced modeling of protein sequence and biophysical properties (such as structural, functional, and spatial information, amino acid conservation, physicochemical variation, residue mobility, and thermodynamic stability) performed at Invitae indicates that this missense variant is not expected to disrupt INPP5E protein function. In summary, the available evidence is currently insufficient to determine the role of this variant in disease. Therefore, it has been classified as a Variant of Uncertain Significance.

NM_019892.6(INPP5E):c.477C>G (p.Asn159Lys)

Gene: INPP5E (inositol polyphosphate-5-phosphatase E; minus strand). Cytogenetic location: 9q34.3.
Variant type: single nucleotide variant.
Coding change: c.477C>G on transcript NM_019892.6 (MANE Select); coding-DNA position 477, C replaced by G.
Protein change: p.Asn159Lys; replaces asparagine 159 with lysine.
Molecular consequence: missense variant.
Genome position (GRCh38, 1-based): chr9:136,438,943, G>C on the plus strand (C>G on the coding strand, the complement: INPP5E is on the minus strand). VCF-style: chr9-136438943-G-C. GRCh37 (hg19) VCF-style: chr9-139333395-G-C.
Other names: c.477C>G, p.Asn159Lys (NM_001318502.2); short protein forms N159K.
Identifiers: ClinVar variation 1962675 (VCV001962675.3), dbSNP rs1364931238, ClinGen allele CA375568701.
Genomic context (GRCh38, chr9:136,438,943, plus strand): 5'-CGCCACGGCGGCGTCTCTGTGCGGGAGGTTCGGGGAGCTGCTGGCCACCCCAGAGAGAGG[G>C]TTACCCCCCGAGGACGGGCTCCCTCTCTCACTGCTCAGGACCCCGCGGGACTTGGGGATT-3'
Protein context (NP_063945.2, residues 149-169): SERGSPSSGG[Asn159Lys]PLSGVASSSP